The following is an entry in ClinVar:

NM_021098.3(CACNA1H):c.2633dup (p.Gly879fs)

Gene: CACNA1H (calcium voltage-gated channel subunit alpha1 H; plus strand). Cytogenetic location: 16p13.3.
Variant type: Duplication.
Coding change: c.2633dup on transcript NM_021098.3 (MANE Select); coding-DNA position 2633, one base duplicated (G; older notation c.2633dupG).
Protein change: p.Gly879fs; shifts the reading frame from glycine 879.
Molecular consequence: frameshift variant.
Genome position (GRCh38, 1-based): chr16:1,206,133, G duplicated; the last of 2 consecutive G bases (chr16:1,206,132-1,206,133); duplicating either gives the same sequence. VCF-style (leftmost placement, unchanged base first): chr16-1206131-C-CG. GRCh37 (hg19) VCF-style: chr16-1256131-C-CG.
Other names: c.2633dup, p.Gly879fs (NM_001005407.2); short protein forms G879fs.
Identifiers: ClinVar variation 3759356 (VCV003759356.2).

ClinVar aggregate classification (germline): Uncertain significance (1 of 4 stars; one submission).

Conditions:
Idiopathic generalized epilepsy. Also called: EIG; Generalised epilepsy. Identifiers: MedGen C0270850, MONDO:0005579, OMIM 600669.
Hyperaldosteronism, familial, type IV (HALD4). Also called: FH IV; ALDOSTERONISM, PRIMARY, AND HYPERTENSION. Identifiers: Orphanet 642671, MedGen C4310756, MONDO:0014875, OMIM 617027.

Submission:

Labcorp Genetics (formerly Invitae), Labcorp
Classification: Uncertain significance for Idiopathic generalized epilepsy; Hyperaldosteronism, familial, type IV. Last evaluated: 2024-10-04. Review status: criteria provided, single submitter. Criteria: Invitae Variant Classification Sherloc (09022015). Collection method: clinical testing. Allele origin: germline.
Comment: This sequence change creates a premature translational stop signal (p.Gly879Trpfs*75) in the CACNA1H gene. It is expected to result in an absent or disrupted protein product. However, the current clinical and genetic evidence is not sufficient to establish whether loss-of-function variants in CACNA1H cause disease. This variant is not present in population databases (gnomAD no frequency). This variant has not been reported in the literature in individuals affected with CACNA1H-related conditions. In summary, the available evidence is currently insufficient to determine the role of this variant in disease. Therefore, it has been classified as a Variant of Uncertain Significance.